The following is an entry in ClinVar:

NM_004168.4(SDHA):c.1974G>C (p.Pro658=)

Gene: SDHA (succinate dehydrogenase complex flavoprotein subunit A; plus strand). Cytogenetic location: 5p15.33.
Variant type: single nucleotide variant.
Coding change: c.1974G>C on transcript NM_004168.4 (MANE Select); coding-DNA position 1974, G replaced by C.
Protein change: p.Pro658=; no amino-acid change (proline 658 retained).
Molecular consequence: synonymous variant.
Genome position (GRCh38, 1-based): chr5:256,399, G>C. VCF-style: chr5-256399-G-C. GRCh37 (hg19) VCF-style: chr5-256514-G-C.
Other names: p.Pro658=; c.1830G>C, p.Pro610= (NM_001294332.2); c.1731G>C, p.Pro577= (NM_001330758.2).
Identifiers: ClinVar variation 252907 (VCV000252907.54), dbSNP rs1042446, ClinGen allele CA3173476.

ClinVar aggregate classification (germline): Benign/Likely benign. Review status: criteria provided, multiple submitters, no conflicts (2 of 4 stars). 16 submissions from 14 submitters: Benign (2); Likely benign (11). 3 of the submissions do not count toward it. Last evaluated 2026-02-02.

Conditions:
Pheochromocytoma/paraganglioma syndrome 5. Also called: Paragangliomas 5; SDHA-Related Hereditary Paraganglioma-Pheochromocytoma Syndrome. Identifiers: Orphanet 29072, MedGen C3279992, MONDO:0013602, OMIM 614165.
Dilated cardiomyopathy 1GG (CMD1GG). Identifiers: Orphanet 154, MedGen C3150898, MONDO:0013339, OMIM 613642.
Mitochondrial complex II deficiency, nuclear type 1. Also called: SUCCINATE CoQ REDUCTASE DEFICIENCY. Identifiers: Orphanet 3208, MedGen C5700310, MONDO:0100294, OMIM 252011.
Neurodegeneration with ataxia and late-onset optic atrophy. Identifiers: MedGen C5543254, MONDO:0031006, OMIM 619259.
SDHA-related disorder. Also called: SDHA-related condition; SDHA-related disorders.
Hereditary cancer-predisposing syndrome. Also called: Tumor predisposition; Hereditary Cancer Syndrome; Neoplastic Syndromes, Hereditary; Hereditary neoplastic syndrome. Identifiers: Orphanet 140162, MedGen C0027672, MeSH D009386, MONDO:0015356.
Hereditary pheochromocytoma and paraganglioma. Also called: Hereditary Paraganglioma-Pheochromocytoma Syndromes; Hereditary paragangliomas and pheochromocytomas; Hereditary pheochromocytoma-paraganglioma. Identifiers: Orphanet 29072, MedGen C4274332, MONDO:0017366.
Leigh syndrome (NULS). Also called: Leigh's necrotizing encephalopathy; Leigh's disease; Leigh's syndrome; Subacute necrotizing encephalopathy; Necrotizing encephalopathy infantile subacute of Leigh; LEIGH SYNDROME, NUCLEAR. Identifiers: Orphanet 506, MedGen C2931891, MONDO:0009723, OMIM 256000.

Submissions (16):

Labcorp Genetics (formerly Invitae), Labcorp
Classification: Likely benign for Pheochromocytoma/paraganglioma syndrome 5; Mitochondrial complex II deficiency, nuclear type 1. Last evaluated: 2026-02-02. Review status: criteria provided, single submitter. Criteria: Invitae Variant Classification Sherloc (09022015). Collection method: clinical testing. Allele origin: germline.

Mayo Clinic Laboratories, Mayo Clinic
Classification: Likely benign. Last evaluated: 2025-07-18. Review status: criteria provided, single submitter. Criteria: ACMG Guidelines, 2015. Collection method: clinical testing. Allele origin: germline. Observed: 49 variant alleles.
Comment: BP4, BP7

Myriad Genetics, Inc.
Classification: Likely benign for Pheochromocytoma/paraganglioma syndrome 5. Last evaluated: 2025-03-11. Review status: criteria provided, single submitter. Criteria: Myriad Autosomal Dominant, Autosomal Recessive and X-Linked Classification Criteria (2023). Collection method: clinical testing. Allele origin: unknown.
Comment: This variant is considered likely benign. This variant has been observed at a population frequency that is significantly greater than expected given the associated disease prevalence and penetrance.

CeGaT Center for Human Genetics Tuebingen
Classification: Likely benign. Last evaluated: 2023-08-01. Review status: criteria provided, single submitter. Criteria: CeGaT Center For Human Genetics Tuebingen Variant Classification Criteria Version 2. Collection method: clinical testing. Allele origin: germline. Affected: yes. Observed: 1 variant allele.
Comment: SDHA: BP4, BP7

Department of Pathology and Laboratory Medicine, Sinai Health System
Classification: Likely benign for Mitochondrial complex II deficiency, nuclear type 1; Dilated cardiomyopathy 1GG; Pheochromocytoma/paraganglioma syndrome 5; Neurodegeneration with ataxia and late-onset optic atrophy. Last evaluated: 2023-07-24. Review status: criteria provided, single submitter. Criteria: ACMG Guidelines, 2015. Collection method: clinical testing. Allele origin: germline. Affected: yes.

GeneDx
Classification: Likely benign. Last evaluated: 2021-08-23. Review status: criteria provided, single submitter. Criteria: GeneDx Variant Classification Process June 2021. Collection method: clinical testing. Allele origin: germline. Affected: yes.

Sema4
Classification: Likely benign for Hereditary cancer-predisposing syndrome. Last evaluated: 2021-06-12. Review status: criteria provided, single submitter. Criteria: Sema4 Curation Guidelines. Collection method: curation. Allele origin: germline.

Genetic Services Laboratory, University of Chicago
Classification: Likely benign. Last evaluated: 2020-05-27. Review status: criteria provided, single submitter. Criteria: ACMG Guidelines, 2015. Collection method: clinical testing. Allele origin: germline. Affected: no.

Illumina Laboratory Services, Illumina
Classification: Benign for Hereditary Paraganglioma-Pheochromocytoma Syndromes. Last evaluated: 2018-01-12. Review status: criteria provided, single submitter. Criteria: ICSL Variant Classification Criteria 13 December 2019. Collection method: clinical testing. Allele origin: germline.
Comment: This variant was observed in the ICSL laboratory as part of a predisposition screen in an ostensibly healthy population. It had not been previously curated by ICSL or reported in the Human Gene Mutation Database (HGMD: prior to June 1st, 2018), and was therefore a candidate for classification through an automated scoring system. Utilizing variant allele frequency, disease prevalence and penetrance estimates, and inheritance mode, an automated score was calculated to assess if this variant is too frequent to cause the disease. Based on the score and internal cut-off values, a variant classified as benign is not then subjected to further curation. The score for this variant resulted in a classification of benign for this disease.

Illumina Laboratory Services, Illumina
Classification: Likely benign for Mitochondrial complex II deficiency, nuclear type 1. Last evaluated: 2018-01-12. Review status: criteria provided, single submitter. Criteria: ICSL Variant Classification Criteria 13 December 2019. Collection method: clinical testing. Allele origin: germline.
Comment: This variant was observed in the ICSL laboratory as part of a predisposition screen in an ostensibly healthy population. It had not been previously curated by ICSL or reported in the Human Gene Mutation Database (HGMD: prior to June 1st, 2018), and was therefore a candidate for classification through an automated scoring system. Utilizing variant allele frequency, disease prevalence and penetrance estimates, and inheritance mode, an automated score was calculated to assess if this variant is too frequent to cause the disease. Based on the score and internal cut-off values, a variant classified as likely benign is not then subjected to further curation. The score for this variant resulted in a classification of likely benign for this disease.

Illumina Laboratory Services, Illumina
Classification: Benign for Leigh syndrome. Last evaluated: 2018-01-12. Review status: criteria provided, single submitter. Criteria: ICSL Variant Classification Criteria 13 December 2019. Collection method: clinical testing. Allele origin: germline.
Comment: the same text as in the submission from Illumina Laboratory Services, Illumina above.

Ambry Genetics
Classification: Likely benign for Hereditary cancer-predisposing syndrome. Last evaluated: 2014-10-20. Review status: criteria provided, single submitter. Criteria: Ambry Variant Classification Scheme 2023. Collection method: clinical testing. Allele origin: germline.

Breakthrough Genomics
Classification: Likely benign. Review status: criteria provided, single submitter. Criteria: ACMG Guidelines, 2015. Collection method: not provided. Allele origin: germline. Inheritance: Autosomal recessive inheritance. Affected: yes.

PreventionGenetics, part of Exact Sciences
Classification: Likely benign for SDHA-related condition. Last evaluated: 2024-04-30. Review status: no assertion criteria provided. Collection method: clinical testing. Allele origin: germline. Not counted in ClinVar's aggregate classification.
Comment: This variant is classified as likely benign based on ACMG/AMP sequence variant interpretation guidelines (Richards et al. 2015 PMID: 25741868, with internal and published modifications).

Diagnostic Laboratory, Department of Genetics, University Medical Center Groningen
Classification: Benign. Review status: no assertion criteria provided. Collection method: clinical testing. Allele origin: germline. Affected: yes. Study: VKGL Data-share Consensus. Not counted in ClinVar's aggregate classification.

Genome Diagnostics Laboratory, Amsterdam University Medical Center
Classification: Benign. Review status: no assertion criteria provided. Collection method: clinical testing. Allele origin: germline. Affected: yes. Study: VKGL Data-share Consensus. Not counted in ClinVar's aggregate classification.